The following is an entry in ClinVar:

NM_000377.3(WAS):c.1342C>T (p.Pro448Ser)

Gene: WAS (WASP actin nucleation promoting factor; plus strand). Cytogenetic location: Xp11.23.
Variant type: single nucleotide variant.
Coding change: c.1342C>T on transcript NM_000377.3 (MANE Select); coding-DNA position 1342, C replaced by T.
Protein change: p.Pro448Ser; replaces proline 448 with serine.
Molecular consequence: missense variant.
Genome position (GRCh38, 1-based): chrX:48,689,323, C>T. VCF-style: chrX-48689323-C-T. GRCh37 (hg19) VCF-style: chrX-48547712-C-T.
Other names: short protein forms P448S.
Identifiers: ClinVar variation 2112158 (VCV002112158.4), dbSNP rs2519288817, ClinGen allele CA412873781.

ClinVar aggregate classification (germline): Uncertain significance (1 of 4 stars; one submission).

Conditions:
Wiskott-Aldrich syndrome (WAS). Also called: ALDRICH SYNDROME; IMMUNODEFICIENCY 2; WISKOTT-ALDRICH SYNDROME 1; Wiskott-aldrich syndrome, somatic. Identifiers: Orphanet 906, MedGen C0043194, MONDO:0010518, OMIM 301000.
Thrombocytopenia 1. Also called: X-Linked Thrombocytopenia (XLT); THROMBOCYTOPENIA, X-LINKED, 1; X-linked thrombocytopenia with normal platelets. Identifiers: Orphanet 268322, Orphanet 852, MedGen C1839163, MONDO:0010743, OMIM 313900.
X-linked severe congenital neutropenia (SCNX). Identifiers: Orphanet 86788, MedGen C1845987, MONDO:0010294, OMIM 300299.

Submission:

Labcorp Genetics (formerly Invitae), Labcorp
Classification: Uncertain significance for Wiskott-Aldrich syndrome; X-linked severe congenital neutropenia; Thrombocytopenia 1. Last evaluated: 2023-10-14. Review status: criteria provided, single submitter. Criteria: Invitae Variant Classification Sherloc (09022015). Collection method: clinical testing. Allele origin: germline.
Comment: This sequence change replaces proline, which is neutral and non-polar, with serine, which is neutral and polar, at codon 448 of the WAS protein (p.Pro448Ser). This variant is not present in population databases (gnomAD no frequency). This variant has not been reported in the literature in individuals affected with WAS-related conditions. ClinVar contains an entry for this variant (Variation ID: 2112158). Advanced modeling of protein sequence and biophysical properties (such as structural, functional, and spatial information, amino acid conservation, physicochemical variation, residue mobility, and thermodynamic stability) performed at Invitae indicates that this missense variant is not expected to disrupt WAS protein function. In summary, the available evidence is currently insufficient to determine the role of this variant in disease. Therefore, it has been classified as a Variant of Uncertain Significance.